The following is an entry in ClinVar:

NM_014000.3(VCL):c.2414C>T (p.Ala805Val)

Gene: VCL (vinculin; plus strand). Cytogenetic location: 10q22.2.
Variant type: single nucleotide variant.
Coding change: c.2414C>T on transcript NM_014000.3 (MANE Select); coding-DNA position 2414, C replaced by T.
Protein change: p.Ala805Val; replaces alanine 805 with valine.
Molecular consequence: missense variant.
Genome position (GRCh38, 1-based): chr10:74,105,333, C>T. VCF-style: chr10-74105333-C-T. GRCh37 (hg19) VCF-style: chr10-75865091-C-T.
Other names: c.2414C>T, p.Ala805Val (NM_003373.4); short protein forms A805V.
Identifiers: ClinVar variation 1491730 (VCV001491730.7), dbSNP rs765022798, ClinGen allele CA5563209.

ClinVar aggregate classification (germline): Uncertain significance (1 of 4 stars; one submission).

Conditions:
Dilated cardiomyopathy 1W (CMD1W). Identifiers: Orphanet 154, MedGen C1969639, MONDO:0012667, OMIM 611407.

Allele frequency attached by ClinVar (database versions not stated): gnomAD exomes below 0.00001 and 0.00002; ExAC 0.00001.
gnomAD v4.1: 27 of 1,612,460 alleles (0.0017%); highest among the groups gnomAD compares: Non-Finnish European, 0.0022%; no homozygotes.

Submission:

Labcorp Genetics (formerly Invitae), Labcorp
Classification: Uncertain significance for Dilated cardiomyopathy 1W. Last evaluated: 2024-06-26. Review status: criteria provided, single submitter. Criteria: Invitae Variant Classification Sherloc (09022015). Collection method: clinical testing. Allele origin: germline.
Comment: This sequence change replaces alanine, which is neutral and non-polar, with valine, which is neutral and non-polar, at codon 805 of the VCL protein (p.Ala805Val). This variant is present in population databases (rs765022798, gnomAD 0.0009%). This variant has not been reported in the literature in individuals affected with VCL-related conditions. ClinVar contains an entry for this variant (Variation ID: 1491730). An algorithm developed to predict the effect of missense changes on protein structure and function (PolyPhen-2) suggests that this variant is likely to be disruptive. In summary, the available evidence is currently insufficient to determine the role of this variant in disease. Therefore, it has been classified as a Variant of Uncertain Significance.